The following is an entry in ClinVar:

ClinVar aggregate classification (germline): Likely pathogenic (1 of 4 stars; one submission).

Conditions:
Very long chain acyl-CoA dehydrogenase deficiency (ACADVLD). Also called: Very Long-Chain Acyl-Coenzyme A Dehydrogenase Deficiency; VLCAD Deficiency. Identifiers: Orphanet 26793, MedGen C3887523, MONDO:0008723, OMIM 201475.

Allele frequency attached by ClinVar (database versions not stated): 1000 Genomes Project 30x 0.00016; 1000 Genomes Project 0.00020.
gnomAD v4.1: 2 of 1,614,086 alleles (0.00012%); highest among the groups gnomAD compares: Non-Finnish European, 0.00017%; no homozygotes.

Submission:

Labcorp Genetics (formerly Invitae), Labcorp
Classification: Likely pathogenic for Very long chain acyl-CoA dehydrogenase deficiency. Last evaluated: 2023-10-14. Review status: criteria provided, single submitter. Criteria: Invitae Variant Classification Sherloc (09022015). Collection method: clinical testing. Allele origin: germline.
Comment: This sequence change replaces glycine, which is neutral and non-polar, with cysteine, which is neutral and slightly polar, at codon 185 of the ACADVL protein (p.Gly185Cys). This variant is present in population databases (rs545215807, gnomAD 0.0009%). This variant has not been reported in the literature in individuals affected with ACADVL-related conditions. Advanced modeling of protein sequence and biophysical properties (such as structural, functional, and spatial information, amino acid conservation, physicochemical variation, residue mobility, and thermodynamic stability) performed at Invitae indicates that this missense variant is expected to disrupt ACADVL protein function. This variant disrupts the p.Gly185 amino acid residue in ACADVL. Other variant(s) that disrupt this residue have been determined to be pathogenic (PMID: 17999356, 20060901). This suggests that this residue is clinically significant, and that variants that disrupt this residue are likely to be disease-causing. In summary, the currently available evidence indicates that the variant is pathogenic, but additional data are needed to prove that conclusively. Therefore, this variant has been classified as Likely Pathogenic.

Literature cited by the submitters: PubMed 17999356; PubMed 20060901.

NM_000018.4(ACADVL):c.553G>T (p.Gly185Cys)

Gene: ACADVL (acyl-CoA dehydrogenase very long chain; plus strand). Cytogenetic location: 17p13.1.
Variant type: single nucleotide variant.
Coding change: c.553G>T on transcript NM_000018.4 (MANE Select); coding-DNA position 553, G replaced by T.
Protein change: p.Gly185Cys; replaces glycine 185 with cysteine.
Molecular consequence: missense variant.
Genome position (GRCh38, 1-based): chr17:7,221,613, G>T. VCF-style: chr17-7221613-G-T. GRCh37 (hg19) VCF-style: chr17-7124932-G-T.
Other names: c.487G>T, p.Gly163Cys (NM_001033859.3); c.622G>T, p.Gly208Cys (NM_001270447.2); c.325G>T, p.Gly109Cys (NM_001270448.2); short protein forms G163C, G185C, G208C, G109C.
Identifiers: ClinVar variation 2768375 (VCV002768375.3), dbSNP rs545215807, ClinGen allele CA8337757.